The following is an entry in ClinVar:

ClinVar aggregate classification (germline): Uncertain significance. Review status: criteria provided, multiple submitters, no conflicts (2 of 4 stars). 2 submissions from 2 submitters: Uncertain significance (2). Last evaluated 2026-01-29.

Conditions:
Hereditary cancer-predisposing syndrome. Also called: Tumor predisposition; Neoplastic Syndromes, Hereditary; Hereditary neoplastic syndrome; Hereditary Cancer Syndrome. Identifiers: Orphanet 140162, MedGen C0027672, MeSH D009386, MONDO:0015356.
Ataxia-telangiectasia syndrome (AT). Also called: Ataxia-telangiectasia, complementation group D; AT, COMPLEMENTATION GROUP C; ATAXIA-TELANGIECTASIA, COMPLEMENTATION GROUP A; ATAXIA-TELANGIECTASIA, FRESNO VARIANT; Ataxia-telangiectasia; Ataxia telangiectasia (A-T). Identifiers: Orphanet 100, MedGen C0004135, MONDO:0008840, OMIM 208900.

Submissions (2):

Labcorp Genetics (formerly Invitae), Labcorp
Classification: Uncertain significance for Ataxia-telangiectasia syndrome. Last evaluated: 2026-01-29. Review status: criteria provided, single submitter. Criteria: Invitae Variant Classification Sherloc (09022015). Collection method: clinical testing. Allele origin: germline.
Comment: This sequence change replaces leucine, which is neutral and non-polar, with proline, which is neutral and non-polar, at codon 2890 of the ATM protein (p.Leu2890Pro). This variant is not present in population databases (gnomAD no frequency). This variant has not been reported in the literature in individuals affected with ATM-related conditions. ClinVar contains an entry for this variant (Variation ID: 949970). An algorithm developed to predict the effect of missense changes on protein structure and function (PolyPhen-2) suggests that this variant is likely to be disruptive. In summary, the available evidence is currently insufficient to determine the role of this variant in disease. Therefore, it has been classified as a Variant of Uncertain Significance.

Ambry Genetics
Classification: Uncertain significance for Hereditary cancer-predisposing syndrome. Last evaluated: 2024-01-17. Review status: criteria provided, single submitter. Criteria: Ambry Variant Classification Scheme 2023. Collection method: clinical testing. Allele origin: germline.
Comment: The p.L2890P variant (also known as c.8669T>C), located in coding exon 58 of the ATM gene, results from a T to C substitution at nucleotide position 8669. The leucine at codon 2890 is replaced by proline, an amino acid with similar properties. This amino acid position is highly conserved in available vertebrate species. In addition, this alteration is predicted to be deleterious by in silico analysis. Based on the available evidence, the clinical significance of this alteration remains unclear.

NM_000051.4(ATM):c.8669T>C (p.Leu2890Pro)

Genes: ATM (ATM serine/threonine kinase; plus strand), C11orf65 (chromosome 11 open reading frame 65; minus strand). Cytogenetic location: 11q22.3.
Variant type: single nucleotide variant.
Coding change: c.8669T>C on transcript NM_000051.4 (MANE Select); coding-DNA position 8669, T replaced by C.
Protein change: p.Leu2890Pro; replaces leucine 2890 with proline.
Molecular consequence: missense variant. On other transcripts: intron variant (2).
Genome position (GRCh38, 1-based): chr11:108,347,363, T>C. VCF-style: chr11-108347363-T-C. GRCh37 (hg19) VCF-style: chr11-108218090-T-C.
Other names: c.8669T>C, p.Leu2890Pro (NM_001351834.2); c.641-38292A>G (NM_001330368.2); c.695-12071A>G (NM_001351110.2); short protein forms L2890P.
Identifiers: ClinVar variation 949970 (VCV000949970.12), dbSNP rs2088565976, ClinGen allele CA382521334.
Genomic context (GRCh38, chr11:108,347,363, plus strand): 5'-ATAGACATGTACAGAATATCTTGATAAATGAGCAGTCAGCAGAACTTGTACATATAGATC[T>C]AGGTAAGTAATAAAATCTATGTATCTATTCTTTTTAGTAAATATTTGGTCATCATGGAAT-3'
Protein context (NP_000042.3, residues 2880-2900): EQSAELVHID[Leu2890Pro]GVAFEQGKIL